The following is an entry in ClinVar:

NM_032043.3(BRIP1):c.3299A>G (p.Asp1100Gly)

Gene: BRIP1 (BRCA1 interacting DNA helicase 1; minus strand). Cytogenetic location: 17q23.2.
Variant type: single nucleotide variant.
Coding change: c.3299A>G on transcript NM_032043.3 (MANE Select); coding-DNA position 3299, A replaced by G.
Protein change: p.Asp1100Gly; replaces aspartic acid 1100 with glycine.
Molecular consequence: missense variant.
Genome position (GRCh38, 1-based): chr17:61,683,747, T>C on the plus strand (A>G on the coding strand, the complement: BRIP1 is on the minus strand). VCF-style: chr17-61683747-T-C. GRCh37 (hg19) VCF-style: chr17-59761108-T-C.
Other names: short protein forms D1100G.
Identifiers: ClinVar variation 4783546 (VCV004783546.1).

ClinVar aggregate classification (germline): Uncertain significance (1 of 4 stars; one submission).

Conditions:
Fanconi anemia complementation group J. Also called: BRIP1-Related Fanconi Anemia. Identifiers: Orphanet 84, MedGen C1836860, MONDO:0012187, OMIM 609054.
Familial cancer of breast. Also called: Hereditary breast cancer; hereditary breast carcinoma; BREAST CANCER, FAMILIAL. Identifiers: Orphanet 227535, MedGen C0346153, MONDO:0016419, OMIM 114480. Disease mechanism: loss of function.

Submission:

Labcorp Genetics (formerly Invitae), Labcorp
Classification: Uncertain significance for Familial cancer of breast; Fanconi anemia complementation group J. Last evaluated: 2025-05-19. Review status: criteria provided, single submitter. Criteria: Invitae Variant Classification Sherloc (09022015). Collection method: clinical testing. Allele origin: germline.
Comment: This sequence change replaces aspartic acid, which is acidic and polar, with glycine, which is neutral and non-polar, at codon 1100 of the BRIP1 protein (p.Asp1100Gly). This variant is not present in population databases (gnomAD no frequency). This variant has not been reported in the literature in individuals affected with BRIP1-related conditions. Invitae Evidence Modeling of protein sequence and biophysical properties (such as structural, functional, and spatial information, amino acid conservation, physicochemical variation, residue mobility, and thermodynamic stability) indicates that this missense variant is not expected to disrupt BRIP1 protein function with a negative predictive value of 95%. In summary, the available evidence is currently insufficient to determine the role of this variant in disease. Therefore, it has been classified as a Variant of Uncertain Significance.